The following is an entry in ClinVar:

NM_032387.5(WNK4):c.2014C>T (p.Pro672Ser)

Gene: WNK4 (WNK lysine deficient protein kinase 4; plus strand). Cytogenetic location: 17q21.2.
Variant type: single nucleotide variant.
Coding change: c.2014C>T on transcript NM_032387.5 (MANE Select); coding-DNA position 2014, C replaced by T.
Protein change: p.Pro672Ser; replaces proline 672 with serine.
Molecular consequence: missense variant.
Genome position (GRCh38, 1-based): chr17:42,788,381, C>T. VCF-style: chr17-42788381-C-T. GRCh37 (hg19) VCF-style: chr17-40940399-C-T.
Other names: c.1006C>T, p.Pro336Ser (NM_001321299.2); short protein forms P672S, P336S.
Identifiers: ClinVar variation 3676096 (VCV003676096.2).

ClinVar aggregate classification (germline): Uncertain significance (1 of 4 stars; one submission).

gnomAD v4.1: 4 of 1,612,964 alleles (0.00025%); highest among the groups gnomAD compares: East Asian, 0.0022%; no homozygotes.

Submission:

Labcorp Genetics (formerly Invitae), Labcorp
Classification: Uncertain significance. Last evaluated: 2024-11-08. Review status: criteria provided, single submitter. Criteria: Invitae Variant Classification Sherloc (09022015). Collection method: clinical testing. Allele origin: germline.
Comment: This sequence change replaces proline, which is neutral and non-polar, with serine, which is neutral and polar, at codon 672 of the WNK4 protein (p.Pro672Ser). This variant is present in population databases (rs780644872, gnomAD 0.006%). This variant has not been reported in the literature in individuals affected with WNK4-related conditions. Invitae Evidence Modeling of protein sequence and biophysical properties (such as structural, functional, and spatial information, amino acid conservation, physicochemical variation, residue mobility, and thermodynamic stability) indicates that this missense variant is not expected to disrupt WNK4 protein function with a negative predictive value of 95%. In summary, the available evidence is currently insufficient to determine the role of this variant in disease. Therefore, it has been classified as a Variant of Uncertain Significance.